The following is an entry in ClinVar:

ClinVar aggregate classification (germline): Pathogenic (1 of 4 stars; one submission).

Conditions:
Hereditary nonpolyposis colorectal neoplasms. Identifiers: MedGen C0009405, MeSH D003123.

Submission:

Labcorp Genetics (formerly Invitae), Labcorp
Classification: Pathogenic for Hereditary nonpolyposis colorectal neoplasms. Last evaluated: 2019-11-18. Review status: criteria provided, single submitter. Criteria: Invitae Variant Classification Sherloc (09022015). Collection method: clinical testing. Allele origin: germline.
Comment: For these reasons, this variant has been classified as Pathogenic. Loss-of-function variants in MSH6 are known to be pathogenic (PMID: 18269114, 24362816). This variant has not been reported in the literature in individuals with MSH6-related conditions. This variant is not present in population databases (ExAC no frequency). This sequence change creates a premature translational stop signal (p.Thr1219Profs*4) in the MSH6 gene. It is expected to result in an absent or disrupted protein product.

Literature cited by the submitters: PubMed 18269114; PubMed 24362816.

NM_000179.3(MSH6):c.3655_3658delinsCC (p.Thr1219fs)

Gene: MSH6 (mutS homolog 6; plus strand). Cytogenetic location: 2p16.3.
Variant type: Indel.
Coding change: c.3655_3658delinsCC on transcript NM_000179.3 (MANE Select); coding-DNA positions 3655 to 3658, ACTG replaced by CC.
Protein change: p.Thr1219fs; shifts the reading frame from threonine 1219.
Molecular consequence: frameshift variant.
Genome position (GRCh38, 1-based): chr2:47,806,212-47,806,215, ACTG replaced by CC. VCF-style: chr2-47806212-ACTG-CC. GRCh37 (hg19) VCF-style: chr2-48033351-ACTG-CC.
Other names: c.3265_3268delinsCC, p.Thr1089fs (NM_001281492.2); c.2749_2752delinsCC, p.Thr917fs (NM_001281493.2, NM_001281494.2); short protein forms T1089fs, T917fs, T1219fs.
Identifiers: ClinVar variation 971730 (VCV000971730.6), dbSNP rs1670040394, ClinGen allele CA1139656973.
Genomic context (GRCh38, chr2:47,806,212, plus strand): 5'-TTTTGTTTTAATTCCTTTGAGTTACTTCCTTATGCATATTTTACTTTAACAGGAAGAGGT[ACTG>CC]CAACATTTGATGGGACGGCAATAGCAAATGCAGTTGTTAAAGAACTTGCTGAGACTATAA-3'